The following is an entry in ClinVar:

ClinVar aggregate classification (germline): Uncertain significance (1 of 4 stars; one submission).

Conditions:
Hypertrophic cardiomyopathy. Also called: HYPERTROPHIC MYOCARDIOPATHY. Identifiers: Orphanet 217569, MedGen C0007194, MeSH D002312, MONDO:0005045, HP:0001639.

Submission:

All of Us Research Program, National Institutes of Health
Classification: Uncertain significance for Hypertrophic cardiomyopathy. Last evaluated: 2024-05-14. Review status: criteria provided, single submitter. Criteria: ACMG Guidelines, 2015. Collection method: clinical testing. Allele origin: germline. Inheritance: Autosomal dominant inheritance. Observed: 1 variant allele, 1 heterozygote.
Comment: This variant causes a T to C nucleotide substitution at the +6 position of intron 1 of the MYL2 gene. To our knowledge, functional studies have not been reported for this variant. This variant has not been reported in individuals affected with MYL2-related disorders in the literature. This variant has not been identified in the general population by the Genome Aggregation Database (gnomAD). The available evidence is insufficient to determine the role of this variant in disease conclusively. Therefore, this variant is classified as a Variant of Uncertain Significance.

This study involves interpretation of variants in research participants for the purpose of population health screening. Participant phenotype was not available at the time of variant classification. Additional details can be found in publication PMID: 35346344, PMCID: PMC8962531

NM_000432.4(MYL2):c.3+6T>C

Genes: MYL2 (myosin light chain 2; minus strand), LOC114827850 (VISTA enhancer hs2149; plus strand). Cytogenetic location: 12q24.11.
Variant type: single nucleotide variant.
Coding change: c.3+6T>C on transcript NM_000432.4 (MANE Select); 6 bases into the intron after coding-DNA position 3, T replaced by C.
Molecular consequence: intron variant.
Genome position (GRCh38, 1-based): chr12:110,920,521, A>G on the plus strand (T>C on the coding strand, the complement: MYL2 is on the minus strand). VCF-style: chr12-110920521-A-G. GRCh37 (hg19) VCF-style: chr12-111358325-A-G.
Other names: c.-55+868T>C (NM_001406916.1); c.3+6T>C (NM_001406745.1).
Identifiers: ClinVar variation 3387375 (VCV003387375.1).